The following is an entry in ClinVar:

NM_001042492.3(NF1):c.2716_2770dup (p.Glu924delinsAlaTer)

Gene: NF1 (neurofibromin 1; plus strand). Cytogenetic location: 17q11.2.
Variant type: Duplication.
Coding change: c.2716_2770dup on transcript NM_001042492.3 (MANE Select); coding-DNA positions 2716 to 2770, 55 bases duplicated.
Protein change: p.Glu924delinsAlaTer.
Molecular consequence: nonsense. On other transcripts: frameshift variant (1).
Genome position (GRCh38, 1-based): chr17:31,229,331-31,229,385, 55 bases duplicated. GRCh37 (hg19): chr17:29,556,349-29,556,403.
Other names: c.2716_2770dup, p.Glu924Alafs (NM_000267.4).
Identifiers: ClinVar variation 2692782 (VCV002692782.3), dbSNP rs2508187510, ClinGen allele CA2697559731.

ClinVar aggregate classification (germline): Pathogenic (1 of 4 stars; one submission).

Conditions:
Neurofibromatosis, type 1 (NF1). Also called: Peripheral type neurofibromatosis; NEUROFIBROMATOSIS, TYPE I, SOMATIC; Neurofibromatosis, type I; VON RECKLINGHAUSEN DISEASE. Identifiers: Orphanet 636, MedGen C0027831, MONDO:0018975, OMIM 162200. Disease mechanism: loss of function.

Submission:

Labcorp Genetics (formerly Invitae), Labcorp
Classification: Pathogenic for Neurofibromatosis, type 1. Last evaluated: 2023-11-02. Review status: criteria provided, single submitter. Criteria: Invitae Variant Classification Sherloc (09022015). Collection method: clinical testing. Allele origin: germline.
Comment: This sequence change creates a premature translational stop signal (p.Glu924Alafs*2) in the NF1 gene. It is expected to result in an absent or disrupted protein product. Loss-of-function variants in NF1 are known to be pathogenic (PMID: 10712197, 23913538). This variant is not present in population databases (gnomAD no frequency). This variant has not been reported in the literature in individuals affected with NF1-related conditions. For these reasons, this variant has been classified as Pathogenic.

Literature cited by the submitters: PubMed 10712197; PubMed 23913538.